The following is an entry in ClinVar:

ClinVar aggregate classification (germline): Likely benign (1 of 4 stars; one submission).

gnomAD v4.1: 9 of 1,611,084 alleles (0.00056%); highest among the groups gnomAD compares: Middle Eastern, 0.016%; no homozygotes.

Submission:

CeGaT Center for Human Genetics Tuebingen
Classification: Likely benign. Last evaluated: 2023-04-01. Review status: criteria provided, single submitter. Criteria: CeGaT Center For Human Genetics Tuebingen Variant Classification Criteria Version 2. Collection method: clinical testing. Allele origin: germline. Affected: yes. Observed: 1 variant allele.
Comment: ZNF285: BP4, BP7

NM_152354.6(ZNF285):c.1722A>G (p.Gly574=)

Gene: ZNF285 (zinc finger protein 285; minus strand). Cytogenetic location: 19q13.31.
Variant type: single nucleotide variant.
Coding change: c.1722A>G on transcript NM_152354.6 (MANE Select); coding-DNA position 1722, A replaced by G.
Protein change: p.Gly574=; no amino-acid change (glycine 574 retained).
Molecular consequence: synonymous variant.
Genome position (GRCh38, 1-based): chr19:44,386,523, T>C on the plus strand (A>G on the coding strand, the complement: ZNF285 is on the minus strand). VCF-style: chr19-44386523-T-C. GRCh37 (hg19) VCF-style: chr19-44890685-T-C.
Other names: c.1743A>G, p.Gly581= (NM_001291488.2); c.1722A>G, p.Gly574= (NM_001291489.2); c.1257A>G, p.Gly419= (NM_001291490.2, NM_001291491.2).
Identifiers: ClinVar variation 2650080 (VCV002650080.24), dbSNP rs73039936, ClinGen allele CA9499870.
Genomic context (GRCh38, chr19:44,386,523, plus strand): 5'-TTACTACATTTATAATGTTTCTCTCTGCTCATGTAGTCTTTGATGAGTCAGAAGGTCCTT[T>C]CCACGCTCACAGTGTGTGTACTGTGTCTCATCTATATGCACTCTCTGATGGGCAAGGAGG-3'
Protein context (NP_689567.4, residues 564-584): DETQYTHCER[Gly574=]KDLLTHQRLH